The following is an entry in ClinVar:

ClinVar aggregate classification (germline): Uncertain significance (1 of 4 stars; one submission).

Conditions:
ANKRD1-related dilated cardiomyopathy. Identifiers: MedGen CN119551.

Allele frequency attached by ClinVar (database versions not stated): gnomAD exomes below 0.00001.
gnomAD v4.1: 2 of 1,614,162 alleles (0.00012%); highest among the groups gnomAD compares: African/African-American, 0.0027%; no homozygotes.

Submission:

Labcorp Genetics (formerly Invitae), Labcorp
Classification: Uncertain significance for ANKRD1-related dilated cardiomyopathy. Last evaluated: 2020-08-11. Review status: criteria provided, single submitter. Criteria: Invitae Variant Classification Sherloc (09022015). Collection method: clinical testing. Allele origin: germline.
Comment: In summary, the available evidence is currently insufficient to determine the role of this variant in disease. Therefore, it has been classified as a Variant of Uncertain Significance. Algorithms developed to predict the effect of missense changes on protein structure and function are either unavailable or do not agree on the potential impact of this missense change (SIFT: "Tolerated"; PolyPhen-2: "Possibly Damaging"; Align-GVGD: "Class C0"). This variant has not been reported in the literature in individuals with ANKRD1-related conditions. This variant is not present in population databases (ExAC no frequency). This sequence change replaces glutamic acid with glutamine at codon 40 of the ANKRD1 protein (p.Glu40Gln). The glutamic acid residue is moderately conserved and there is a small physicochemical difference between glutamic acid and glutamine.

NM_014391.3(ANKRD1):c.118G>C (p.Glu40Gln)

Gene: ANKRD1 (ankyrin repeat domain 1; minus strand). Cytogenetic location: 10q23.31.
Variant type: single nucleotide variant.
Coding change: c.118G>C on transcript NM_014391.3 (MANE Select); coding-DNA position 118, G replaced by C.
Protein change: p.Glu40Gln; replaces glutamic acid 40 with glutamine.
Molecular consequence: missense variant.
Genome position (GRCh38, 1-based): chr10:90,920,258, C>G on the plus strand (G>C on the coding strand, the complement: ANKRD1 is on the minus strand). VCF-style: chr10-90920258-C-G. GRCh37 (hg19) VCF-style: chr10-92680015-C-G.
Other names: short protein forms E40Q.
Identifiers: ClinVar variation 1026812 (VCV001026812.8), dbSNP rs1316020181, ClinGen allele CA377553856.
Genomic context (GRCh38, chr10:90,920,258, plus strand): 5'-ACTGTTGCTCCCCCAGGGTCACAGGGTGGGCTAGAAGTGTCTTCAGATCCTCCTGCTTCT[C>G]TAAAGTAACAGCAGCTTCATACTCTCCATCTCTGAAATCCTCAGGAAGGAATTCCCCTGC-3'
Protein context (NP_055206.2, residues 30-50): DGEYEAAVTL[Glu40Gln]KQEDLKTLLA